The following is an entry in ClinVar:

ClinVar aggregate classification (germline): Pathogenic (1 of 4 stars; one submission).

Conditions:
Alpha-N-acetylgalactosaminidase deficiency. Identifiers: Orphanet 3137, MedGen C5848084, MONDO:0017779.

Submission:

Myriad Genetics, Inc.
Classification: Pathogenic for Alpha-N-acetylgalactosaminidase deficiency. Last evaluated: 2026-03-18. Review status: criteria provided, single submitter. Criteria: Myriad Autosomal Dominant, Autosomal Recessive and X-Linked Classification Criteria (2023). Collection method: clinical testing. Allele origin: unknown.
Comment: NM_000262.2(NAGA):c.23dupT(L8Ffs*34) is expected to be pathogenic in the context of NAGA-related disorders. This variant is predicted to lead to an abnormal or absent protein product due to the creation of a premature termination codon in NAGA, a gene where loss-of-function variants are known to be pathogenic. Please note: this variant was assessed in the context of healthy population screening.

NM_000262.3(NAGA):c.23dup (p.Leu8fs)

Genes: NAGA (alpha-N-acetylgalactosaminidase; minus strand), LOC126863160 (CDK7 strongly-dependent group 2 enhancer GRCh37_chr22:42462918-42464117; plus strand). Cytogenetic location: 22q13.2.
Variant type: Duplication.
Coding change: c.23dup on transcript NM_000262.3 (MANE Select); coding-DNA position 23, one base duplicated (T; older notation c.23dupT).
Protein change: p.Leu8fs; shifts the reading frame from leucine 8.
Molecular consequence: frameshift variant.
Genome position (GRCh38, 1-based): chr22:42,068,568, A duplicated on the plus strand (T on the coding strand, the reverse complement: NAGA is on the minus strand); the first of 2 consecutive A bases (chr22:42,068,568-42,068,569); duplicating either gives the same sequence. VCF-style (leftmost placement, unchanged base first): chr22-42068567-C-CA. GRCh37 (hg19) VCF-style: chr22-42464571-C-CA.
Other names: c.23dup, p.Leu8fs (NM_001362848.1, NM_001362850.1); short protein forms L8fs.
Identifiers: ClinVar variation 5015686 (VCV005015686.1).